The following is an entry in ClinVar:

ClinVar aggregate classification (germline): Uncertain significance (1 of 4 stars; one submission).

gnomAD v4.1: 17 of 1,613,786 alleles (0.0011%); highest among the groups gnomAD compares: Middle Eastern, 0.017%; no homozygotes.

Submission:

Labcorp Genetics (formerly Invitae), Labcorp
Classification: Uncertain significance. Last evaluated: 2025-11-24. Review status: criteria provided, single submitter. Criteria: Invitae Variant Classification Sherloc (09022015). Collection method: clinical testing. Allele origin: germline.
Comment: This sequence change falls in intron 4 of the SCARB1 gene. It does not directly change the encoded amino acid sequence of the SCARB1 protein. It affects a nucleotide within the consensus splice site. This variant is present in population databases (rs201937181, gnomAD 0.003%). This variant has not been reported in the literature in individuals affected with SCARB1-related conditions. Variants that disrupt the consensus splice site are a relatively common cause of aberrant splicing (PMID: 17576681, 9536098). Algorithms developed to predict the effect of sequence changes on RNA splicing suggest that this variant is not likely to affect RNA splicing. In summary, the available evidence is currently insufficient to determine the role of this variant in disease. Therefore, it has been classified as a Variant of Uncertain Significance.

Literature cited by the submitters: PubMed 17576681; PubMed 9536098.

NM_005505.5(SCARB1):c.630+5G>A

Gene: SCARB1 (scavenger receptor class B member 1; minus strand). Cytogenetic location: 12q24.31.
Variant type: single nucleotide variant.
Coding change: c.630+5G>A on transcript NM_005505.5 (MANE Select); 5 bases into the intron after coding-DNA position 630, G replaced by A.
Molecular consequence: intron variant.
Genome position (GRCh38, 1-based): chr12:124,814,197, C>T on the plus strand (G>A on the coding strand, the complement: SCARB1 is on the minus strand). VCF-style: chr12-124814197-C-T. GRCh37 (hg19) VCF-style: chr12-125298743-C-T.
Other names: c.630+5G>A (NM_001367988.1, NM_001367985.1, NM_001367987.1 and 6 more transcripts); c.507+5G>A (NM_001367982.1).
Identifiers: ClinVar variation 4753907 (VCV004753907.1).